The following is an entry in ClinVar:

NM_001166108.2(PALLD):c.2128C>T (p.Arg710Cys)

Genes: CBR4 (carbonyl reductase 4; minus strand), PALLD (palladin, cytoskeletal associated protein; plus strand). Cytogenetic location: 4q32.3.
Variant type: single nucleotide variant.
Coding change: c.2128C>T on transcript NM_001166108.2 (MANE Select); coding-DNA position 2128, C replaced by T.
Protein change: p.Arg710Cys; replaces arginine 710 with cysteine.
Molecular consequence: missense variant.
Genome position (GRCh38, 1-based): chr4:168,894,606, C>T. VCF-style: chr4-168894606-C-T. GRCh37 (hg19) VCF-style: chr4-169815757-C-T.
Other names: c.982C>T, p.Arg328Cys (NM_001166109.2); c.667C>T, p.Arg223Cys (NM_001166110.2); c.7C>T, p.Arg3Cys (NM_001367567.1, NM_001367568.1, NM_001367569.1 and 1 more transcripts); c.2128C>T, p.Arg710Cys (NM_016081.4); short protein forms R3C, R710C, R223C, R328C.
Identifiers: ClinVar variation 1786345 (VCV001786345.5), dbSNP rs1223364195, ClinGen allele CA358797639.

ClinVar aggregate classification (germline): Uncertain significance. Review status: criteria provided, multiple submitters, no conflicts (2 of 4 stars). 2 submissions from 2 submitters: Uncertain significance (2). Last evaluated 2024-02-13.

Conditions:
Pancreatic adenocarcinoma. Identifiers: MedGen C0281361, MONDO:0006047, HP:0006725.

Allele frequency attached by ClinVar (database versions not stated): gnomAD 0.00001.
gnomAD v4.1: 5 of 1,613,108 alleles (0.00031%); highest among the groups gnomAD compares: South Asian, 0.0022%; no homozygotes.

Submissions (2):

Ambry Genetics
Classification: Uncertain significance. Last evaluated: 2024-02-13. Review status: criteria provided, single submitter. Criteria: Ambry Variant Classification Scheme 2023. Collection method: clinical testing. Allele origin: germline.
Comment: The p.R710C variant (also known as c.2128C>T), located in coding exon 11 of the PALLD gene, results from a C to T substitution at nucleotide position 2128. The arginine at codon 710 is replaced by cysteine, an amino acid with highly dissimilar properties. This amino acid position is conserved. In addition, this alteration is predicted to be deleterious by in silico analysis. Since supporting evidence is limited at this time, the clinical significance of this alteration remains unclear.

Labcorp Genetics (formerly Invitae), Labcorp
Classification: Uncertain significance for Pancreatic adenocarcinoma. Last evaluated: 2023-09-08. Review status: criteria provided, single submitter. Criteria: Invitae Variant Classification Sherloc (09022015). Collection method: clinical testing. Allele origin: germline.
Comment: In summary, the available evidence is currently insufficient to determine the role of this variant in disease. Therefore, it has been classified as a Variant of Uncertain Significance. An algorithm developed to predict the effect of missense changes on protein structure and function (PolyPhen-2) suggests that this variant is likely to be tolerated. ClinVar contains an entry for this variant (Variation ID: 1786345). This variant has not been reported in the literature in individuals affected with PALLD-related conditions. This variant is present in population databases (no rsID available, gnomAD 0.003%). This sequence change replaces arginine, which is basic and polar, with cysteine, which is neutral and slightly polar, at codon 223 of the PALLD protein (p.Arg223Cys).